The following is an entry in ClinVar:

ClinVar aggregate classification (germline): Uncertain significance (1 of 4 stars; one submission).

Conditions:
Hereditary cancer-predisposing syndrome. Also called: Tumor predisposition; Neoplastic Syndromes, Hereditary; Hereditary Cancer Syndrome; Hereditary neoplastic syndrome. Identifiers: Orphanet 140162, MedGen C0027672, MeSH D009386, MONDO:0015356.

gnomAD v4.1: 3 of 1,614,148 alleles (0.00019%); highest among the groups gnomAD compares: Non-Finnish European, 0.00025%; no homozygotes.

Submission:

Ambry Genetics
Classification: Uncertain significance for Hereditary cancer-predisposing syndrome. Last evaluated: 2025-02-12. Review status: criteria provided, single submitter. Criteria: Ambry Variant Classification Scheme 2023. Collection method: clinical testing. Allele origin: germline.
Comment: The p.F937C variant (also known as c.2810T>G), located in coding exon 15 of the APC gene, results from a T to G substitution at nucleotide position 2810. The phenylalanine at codon 937 is replaced by cysteine, an amino acid with highly dissimilar properties. This amino acid position is conserved. In addition, in silico predictors for this gene do not accurately predict pathogenicity. Based on the available evidence, the clinical significance of this variant remains unclear.

NM_000038.6(APC):c.2810T>G (p.Phe937Cys)

Gene: APC (APC regulator of Wnt signaling pathway; plus strand). Cytogenetic location: 5q22.2.
Variant type: single nucleotide variant.
Coding change: c.2810T>G on transcript NM_000038.6 (MANE Select); coding-DNA position 2810, T replaced by G.
Protein change: p.Phe937Cys; replaces phenylalanine 937 with cysteine.
Molecular consequence: missense variant. On other transcripts: non-coding transcript variant (2).
Genome position (GRCh38, 1-based): chr5:112,838,404, T>G. VCF-style: chr5-112838404-T-G. GRCh37 (hg19) VCF-style: chr5-112174101-T-G.
Other names: c.2810T>G, p.Phe937Cys (NM_001127510.3, NM_001354895.2, NM_001407450.1); c.2756T>G, p.Phe919Cys (NM_001127511.3); c.2864T>G, p.Phe955Cys (NM_001354896.2, NM_001407447.1, NM_001407448.1 and 1 more transcripts); c.2840T>G, p.Phe947Cys (NM_001354897.2); c.2735T>G, p.Phe912Cys (NM_001354898.2); c.2726T>G, p.Phe909Cys (NM_001354899.2); c.2687T>G, p.Phe896Cys (NM_001354900.2); c.2633T>G, p.Phe878Cys (NM_001354901.2, NM_001407453.1); and 11 more; short protein forms F909C, F912C, F919C, F947C, F965C, F836C, F846C, F896C.
Identifiers: ClinVar variation 3882402 (VCV003882402.1).